The following is an entry in ClinVar:

ClinVar aggregate classification (germline): Benign. Review status: criteria provided, single submitter (1 of 4 stars). 2 submissions from 2 submitters: Benign (1). 1 of the submissions does not count toward it. Last evaluated 2019-12-31.

Conditions:
DMXL1-related disorder. Also called: DMXL1-related condition.

Allele frequency attached by ClinVar (database versions not stated): ExAC 0.00166; gnomAD 0.00494 and 0.00516; 1000 Genomes Project 0.00499; 1000 Genomes Project 30x 0.00531; ESP Exome Variant Server 0.00554; TOPMed 0.00581.
gnomAD v4.1: 1,566 of 1,612,434 alleles (0.097%); highest among the groups gnomAD compares: African/African-American, 1.8%; 18 homozygotes.

Submissions (2):

Labcorp Genetics (formerly Invitae), Labcorp
Classification: Benign. Last evaluated: 2019-12-31. Review status: criteria provided, single submitter. Criteria: Invitae Variant Classification Sherloc (09022015). Collection method: clinical testing. Allele origin: germline.

PreventionGenetics, part of Exact Sciences
Classification: Benign for DMXL1-related condition. Last evaluated: 2019-04-25. Review status: no assertion criteria provided. Collection method: clinical testing. Allele origin: germline. Not counted in ClinVar's aggregate classification.
Comment: This variant is classified as benign based on ACMG/AMP sequence variant interpretation guidelines (Richards et al. 2015 PMID: 25741868, with internal and published modifications).

NM_001290321.3(DMXL1):c.8016A>G (p.Ala2672=)

Gene: DMXL1 (Dmx like 1; plus strand). Cytogenetic location: 5q23.1.
Variant type: single nucleotide variant.
Coding change: c.8016A>G on transcript NM_001290321.3 (MANE Select); coding-DNA position 8016, A replaced by G.
Protein change: p.Ala2672=; no amino-acid change (alanine 2672 retained).
Molecular consequence: synonymous variant. On other transcripts: non-coding transcript variant (3).
Genome position (GRCh38, 1-based): chr5:119,220,474, A>G. VCF-style: chr5-119220474-A-G. GRCh37 (hg19) VCF-style: chr5-118556169-A-G.
Other names: c.8016A>G, p.Ala2672= (NM_001349239.2); c.7953A>G, p.Ala2651= (NM_001349240.2, NM_001387933.1, NM_005509.6); c.7761A>G, p.Ala2587= (NM_001387934.1); c.7248A>G, p.Ala2416= (NM_001387937.1); c.7029A>G, p.Ala2343= (NM_001387938.1); c.8016A>G (NM_001290321.2).
Identifiers: ClinVar variation 776062 (VCV000776062.6), dbSNP rs111259035, ClinGen allele CA3381078.